The following is an entry in ClinVar:

NM_006885.4(ZFHX3):c.1910G>C (p.Gly637Ala)

Gene: ZFHX3 (zinc finger homeobox 3; minus strand). Cytogenetic location: 16q22.3.
Variant type: single nucleotide variant.
Coding change: c.1910G>C on transcript NM_006885.4 (MANE Select); coding-DNA position 1910, G replaced by C.
Protein change: p.Gly637Ala; replaces glycine 637 with alanine.
Molecular consequence: missense variant. On other transcripts: intron variant (1).
Genome position (GRCh38, 1-based): chr16:72,958,236, C>G on the plus strand (G>C on the coding strand, the complement: ZFHX3 is on the minus strand). VCF-style: chr16-72958236-C-G. GRCh37 (hg19) VCF-style: chr16-72992135-C-G.
Other names: c.1910G>C, p.Gly637Ala (NM_001386735.1); c.-23-7271G>C (NM_001164766.2); short protein forms G637A.
Identifiers: ClinVar variation 4539869 (VCV004539869.2).

ClinVar aggregate classification (germline): Uncertain significance (1 of 4 stars; one submission).

Submission:

GeneDx
Classification: Uncertain significance. Last evaluated: 2026-05-08. Review status: criteria provided, single submitter. Criteria: GeneDx Variant Classification Process June 2021. Collection method: clinical testing. Allele origin: germline.
Comment: Not observed at significant frequency in large population cohorts (gnomAD); In silico analysis supports that this missense variant has a deleterious effect on protein structure/function; Has not been previously published as pathogenic or benign to our knowledge